The following is an entry in ClinVar:

NM_003036.4(SKI):c.191T>G (p.Val64Gly)

Gene: SKI (SKI proto-oncogene; plus strand). Cytogenetic location: 1p36.33.
Variant type: single nucleotide variant.
Coding change: c.191T>G on transcript NM_003036.4 (MANE Select); coding-DNA position 191, T replaced by G.
Protein change: p.Val64Gly; replaces valine 64 with glycine.
Molecular consequence: missense variant.
Genome position (GRCh38, 1-based): chr1:2,228,957, T>G. VCF-style: chr1-2228957-T-G. GRCh37 (hg19) VCF-style: chr1-2160396-T-G.
Other names: short protein forms V64G.
Identifiers: ClinVar variation 1782657 (VCV001782657.2), dbSNP rs1330346480, ClinGen allele CA337952282.

ClinVar aggregate classification (germline): Uncertain significance (1 of 4 stars; one submission).

Conditions:
Familial thoracic aortic aneurysm and aortic dissection (TAAD). Also called: Thoracic aortic aneurysms and dissections. Identifiers: Orphanet 91387, MedGen C4707243, MONDO:0019625.

Allele frequency attached by ClinVar (database versions not stated): gnomAD exomes below 0.00001; gnomAD 0.00002.
gnomAD v4.1: 4 of 1,414,612 alleles (0.00028%); highest among the groups gnomAD compares: Non-Finnish European, 0.00037%; no homozygotes.

Submission:

Ambry Genetics
Classification: Uncertain significance for Familial thoracic aortic aneurysm and aortic dissection. Last evaluated: 2020-06-16. Review status: criteria provided, single submitter. Criteria: Ambry Variant Classification Scheme 2023. Collection method: clinical testing. Allele origin: germline.
Comment: The p.V64G variant (also known as c.191T>G), located in coding exon 1 of the SKI gene, results from a T to G substitution at nucleotide position 191. The valine at codon 64 is replaced by glycine, an amino acid with dissimilar properties. This amino acid position is well conserved in available vertebrate species. In addition, the in silico prediction for this alteration is inconclusive. Since supporting evidence is limited at this time, the clinical significance of this alteration remains unclear.